The following is an entry in ClinVar:

NM_000540.3(RYR1):c.12941G>A (p.Arg4314Gln)

Gene: RYR1 (ryanodine receptor 1; plus strand). Cytogenetic location: 19q13.2.
Variant type: single nucleotide variant.
Coding change: c.12941G>A on transcript NM_000540.3 (MANE Select); coding-DNA position 12941, G replaced by A.
Protein change: p.Arg4314Gln; replaces arginine 4314 with glutamine.
Molecular consequence: missense variant.
Genome position (GRCh38, 1-based): chr19:38,565,275, G>A. VCF-style: chr19-38565275-G-A. GRCh37 (hg19) VCF-style: chr19-39055915-G-A.
Other names: c.12926G>A, p.Arg4309Gln (NM_001042723.2); short protein forms R4309Q, R4314Q.
Identifiers: ClinVar variation 3613602 (VCV003613602.2).

ClinVar aggregate classification (germline): Uncertain significance (1 of 4 stars; one submission).

Conditions:
RYR1-related disorder. Also called: RYR1-related condition; RYR1-related disorders. Identifiers: MedGen CN239331.

gnomAD v4.1: 4 of 997,312 alleles (0.0004%); highest among the groups gnomAD compares: Non-Finnish European, 0.00048%; no homozygotes.

Submission:

Labcorp Genetics (formerly Invitae), Labcorp
Classification: Uncertain significance for RYR1-related disorder. Last evaluated: 2025-09-21. Review status: criteria provided, single submitter. Criteria: Invitae Variant Classification Sherloc (09022015). Collection method: clinical testing. Allele origin: germline.
Comment: This sequence change replaces arginine, which is basic and polar, with glutamine, which is neutral and polar, at codon 4314 of the RYR1 protein (p.Arg4314Gln). This variant is not present in population databases (gnomAD no frequency). This variant has not been reported in the literature in individuals affected with RYR1-related conditions. ClinVar contains an entry for this variant (Variation ID: 3613602). Invitae Evidence Modeling of protein sequence and biophysical properties (such as structural, functional, and spatial information, amino acid conservation, physicochemical variation, residue mobility, and thermodynamic stability) indicates that this missense variant is not expected to disrupt RYR1 protein function with a negative predictive value of 80%. In summary, the available evidence is currently insufficient to determine the role of this variant in disease. Therefore, it has been classified as a Variant of Uncertain Significance.